The following is an entry in ClinVar:

NM_000186.4(CFH):c.3643C>T (p.Arg1215Ter)

Gene: CFH (complement factor H; plus strand). Cytogenetic location: 1q31.3.
Variant type: single nucleotide variant.
Coding change: c.3643C>T on transcript NM_000186.4 (MANE Select); coding-DNA position 3643, C replaced by T.
Protein change: p.Arg1215Ter; replaces arginine 1215 with a stop codon.
Molecular consequence: nonsense.
Genome position (GRCh38, 1-based): chr1:196,747,260, C>T. VCF-style: chr1-196747260-C-T. GRCh37 (hg19) VCF-style: chr1-196716390-C-T.
Other names: short protein forms R1215*.
Identifiers: ClinVar variation 294526 (VCV000294526.7), dbSNP rs121913051, ClinGen allele CA1305996.

ClinVar aggregate classification (germline): Pathogenic/Likely pathogenic. Review status: criteria provided, multiple submitters, no conflicts (2 of 4 stars). 2 submissions from 2 submitters: Pathogenic (1); Likely pathogenic (1). Last evaluated 2025-10-02.

Conditions:
Age related macular degeneration 4. Identifiers: MedGen C1853147, MONDO:0012540, OMIM 610698.
Hemolytic uremic syndrome, atypical, susceptibility to, 1. Also called: AHUS, SUSCEPTIBILITY TO, 1. Identifiers: Orphanet 2134, Orphanet 90038, MedGen C2749604, MONDO:0009335, OMIM 235400. Disease mechanism: Other.
Factor H deficiency (CFHD). Also called: CFH DEFICIENCY; COMPLEMENT FACTOR H DEFICIENCY. Identifiers: Orphanet 200421, MedGen C0398777, MONDO:0012350, OMIM 609814.
Basal laminar drusen. Also called: DRUSEN OF BRUCH MEMBRANE; DRUSEN, CUTICULAR; DRUSEN, EARLY ADULT-ONSET, GROUPED. Identifiers: Orphanet 75376, MedGen C0730295, MONDO:0007472, OMIM 126700.
Atypical hemolytic-uremic syndrome. Identifiers: Orphanet 2134, MedGen C2931788, MONDO:0016244.

Allele frequency attached by ClinVar (database versions not stated): ExAC 0.00001.
gnomAD v4.1: 5 of 1,613,908 alleles (0.00031%); highest among the groups gnomAD compares: Non-Finnish European, 0.00034%; no homozygotes.

Submissions (2):

Genomenon, Inc
Classification: Pathogenic for Atypical hemolytic-uremic syndrome. Last evaluated: 2025-10-02. Review status: criteria provided, single submitter. Criteria: Genomenon Sequence Variant Interpretation Standards - Updated. Collection method: curation. Allele origin: germline. Affected: yes.
Comment: CFH p.Arg1215Ter (c.3643C>T) is a nonsense variant that introduces a premature stop codon at amino acid position 1215, creating a truncated protein. This variant has been observed in at least one proband affected with atypical hemolytic-uremic syndrome (PMID:23307876;29745120;33270832;26559391). It is absent or not present at a significant frequency in gnomAD. In conclusion, we classify CFH p.Arg1215Ter (c.3643C>T) as a pathogenic variant.

Fulgent Genetics
Classification: Likely pathogenic for Basal laminar drusen; Hemolytic uremic syndrome, atypical, susceptibility to, 1; Factor H deficiency; Age related macular degeneration 4. Last evaluated: 2024-03-14. Review status: criteria provided, single submitter. Criteria: ACMG Guidelines, 2015. Collection method: clinical testing. Allele origin: germline.

Literature cited by the submitters: PubMed 23307876 (cited by Genomenon, Inc); PubMed 29745120 (cited by Genomenon, Inc); PubMed 33270832 (cited by Genomenon, Inc); PubMed 26559391 (cited by Genomenon, Inc).